The following is an entry in ClinVar:

ClinVar aggregate classification (germline): Likely pathogenic. Review status: criteria provided, multiple submitters, no conflicts (2 of 4 stars). 5 submissions from 4 submitters: Likely pathogenic (5). Last evaluated 2025-10-08.

Conditions:
Autosomal recessive limb-girdle muscular dystrophy type 2J (LGMDR10). Also called: Limb-girdle muscular dystrophy, type 2J; MUSCULAR DYSTROPHY, LIMB-GIRDLE, AUTOSOMAL RECESSIVE 10. Identifiers: Orphanet 140922, MedGen C1837342, MONDO:0012127, OMIM 608807.
Primary dilated cardiomyopathy (DCM). Also called: Dilated Cardiomyopathy. Identifiers: Orphanet 217604, MedGen C0007193, MeSH D002311, MONDO:0005021, HP:0001644. Inheritance: Various modes of inheritance.
Cardiovascular phenotype. Identifiers: MedGen CN230736.
Dilated cardiomyopathy 1G (CMD1G). Identifiers: Orphanet 154, MedGen C1858763, MONDO:0011400, OMIM 604145.

Allele frequency attached by ClinVar (database versions not stated): gnomAD exomes below 0.00001.

Submissions (5):

Ambry Genetics
Classification: Likely pathogenic for Cardiovascular phenotype. Last evaluated: 2025-10-08. Review status: criteria provided, single submitter. Criteria: Ambry Variant Classification Scheme 2023. Collection method: clinical testing. Allele origin: germline.
Comment: The c.73903_73904insT variant, located in coding exon 185 of the TTN gene, results from an insertion of one nucleotide at position 73903, causing a translational frameshift with a predicted alternate stop codon (p.D24635Vfs*13). This exon is located in the M-band region of the N2-B isoform of the titin protein and is constitutively expressed in TTN transcripts (percent spliced in or PSI 100%). This variant was reported in individual(s) with features consistent with dilated cardiomyopathy (DCM) (Roberts AM et al. Sci Transl Med, 2015 Jan;7:270ra6). Note, this variant is also referred to as c.101098_101099insT (p.D33700Vfs*13) in the literature. This variant is expected to result in loss of function by premature protein truncation or nonsense-mediated mRNA decay. While truncating variants in TTN are present in 1-3% of the general population, truncating variants in the M-band have been reported in association with autosomal recessive titinopathies, primarily presenting with skeletal myopathy phenotypes (Ceyhan-Birsoy O et al. Neurology. 2013 Oct 1;81(14):1205-14; De Cid R et al. Neurology. 2015;85(24):2126-35). Truncating variants in coding exon 185 of the M-band of the N2-B isoform have also been specifically associated with autosomal dominant dilated cardiomyopathy (Vatta M et al. Circ GenomPrecis Med. 2025 Feb:e004982). More generally, TTN truncating variants encoded in constitutive exons (PSI >90%) have been found to be significantly associated with dilated cardiomyopathy (DCM) regardless of their position, although truncating variants in the A-band are the most common cause of DCM (Herman DS et al. N. Engl. J. Med., 2012 Feb;366:619-28; Roberts AM et al. Sci Transl Med, 2015 Jan;7:270ra6; Schafer S et al. Nat. Genet., 2017 01;49:46-53; Akhtar MM et al. Circ Heart Fail, 2020 Oct;13:e006832; Massier M et al. Clin Genet, 2025 Jan). This variant is considered to be rare based on population cohorts in the Genome Aggregation Database (gnomAD). Based on the majority of available evidence to date, this variant is likely to be pathogenic.

Laboratory for Molecular Medicine, Mass General Brigham Personalized Medicine
Classification: Likely pathogenic for Primary dilated cardiomyopathy. Last evaluated: 2019-04-12. Review status: criteria provided, single submitter. Criteria: ACMG Guidelines, 2015. Collection method: clinical testing. Allele origin: germline.
Comment: The p.Asp31132ValfsX13 variant in TTN has been reported in 1 individual with DCM (Roberts 2015) and was absent from large population studies. It has been reported in ClinVar (Variation ID #223390). This variant is predicted to cause a frameshift, which alters the protein’s amino acid sequence beginning at position 31132 and leads to a premature termination codon 13 amino acids downstream. This alteration is then predicted to lead to a truncated or absent protein. TTN truncating variants located in exons that are highly expressed in the heart are strongly associated with autosomal dominant DCM, particularly if they are located in the A-band (Herman 2012, Pugh 2014 , Roberts 2015). In addition, TTN variants have also been associated with myopathies and other neuromuscular conditions, which usually have autosomal recessive inheritance (Savarese 2016). The p.Asp31132ValfsX13 variant is located in a highly expressed exon in the M-band. In summary, although additional studies are required to fully establish its clinical significance, this variant meets criteria to be classified as likely pathogenic for TTN-associated diseases. ACMG/AMP Criteria applied: PVS1, PM2.

Labcorp Genetics (formerly Invitae), Labcorp
Classification: Likely pathogenic for Autosomal recessive limb-girdle muscular dystrophy type 2J. Last evaluated: 2017-08-09. Review status: criteria provided, single submitter. Criteria: Invitae Variant Classification Sherloc (09022015). Collection method: clinical testing. Allele origin: germline.
Comment: This sequence change results in a premature translational stop signal in the TTN gene (p.Asp33700Valfs*13). While this is not anticipated to result in nonsense mediated decay, it is expected to disrupt the last 2,292 amino acids of the TTN protein. This variant is not present in population databases (ExAC no frequency). This variant has not been reported in the literature in individuals with TTN-related disease. A different truncating Â¬â€ variant at this codon p.Asp33700Valfs*13 has been reported in the literature in an individual affected with dilated cardiomyopathy (DCM) (PMID: 25589632). However, truncating variants in the M-band have not been associated with DCM and the authors did not present any further evidence to confirm that this variant is causative of isolated DCM instead of an incidental finding. This variant is found in the M-band of this gene. While this particular variant has not been reported in the literature, truncating variants in the M-band of TTN previously reported in patients affected with various forms of myopathy and muscular dystrophy (PMID: 18948003, 23975875, 24395473). In summary, the currently available evidence indicates that the variant is pathogenic, but additional data are needed to prove that conclusively. Therefore, this variant has been classified as Likely Pathogenic.

Labcorp Genetics (formerly Invitae), Labcorp
Classification: Likely pathogenic for Dilated cardiomyopathy 1G; Autosomal recessive limb-girdle muscular dystrophy type 2J. Last evaluated: 2017-07-31. Review status: criteria provided, single submitter. Criteria: Invitae Variant Classification Sherloc (09022015). Collection method: clinical testing. Allele origin: germline.
Comment: This variant is found in the M-band of this gene. While this particular variant has not been reported in the literature, truncating variants in the M-band of TTN previously reported in patients affected with various forms of myopathy and muscular dystrophy (PMID: 18948003, 23975875, 24395473). In summary, the currently available evidence indicates that the variant is pathogenic, but additional data are needed to prove that conclusively. Therefore, this variant has been classified as Likely Pathogenic. A different truncating variant at this codon p.Asp33700Valfs*13 has been reported in the literature in an individual affected with dilated cardiomyopathy (DCM) (PMID: 25589632). However, truncating variants in the M-band have not been associated with DCM and the authors did not present any further evidence to confirm that this variant is causative of isolated DCM instead of an incidental finding. This variant has not been reported in the literature in individuals with TTN-related disease. This variant is not present in population databases (ExAC no frequency). This sequence change results in a premature translational stop signal in the TTN gene (p.Asp33700Valfs*13). While this is not anticipated to result in nonsense mediated decay, it is expected to disrupt the last 2,292 amino acids of the TTN protein.

Cardiovascular Biomedical Research Unit, Royal Brompton & Harefield NHS Foundation Trust
Classification: Likely pathogenic for Primary dilated cardiomyopathy. Last evaluated: 2014-10-08. Review status: criteria provided, single submitter. Criteria: Roberts et al. 2015. Collection method: research. Allele origin: germline. Inheritance: Autosomal dominant inheritance. Affected: yes. Observed: 1 variant allele. Study: Familial DCM.
Comment: In the seven cohorts assessed, TTNtv were found in 14% of ambulant DCM, 22% end-stage or familial DCM, and 2% controls. Heterozygous nonsense, frameshift and canonical splice-disrupting variants found in constitutive and other highly utilised exons are highly likely to be pathogenic when identified in individuals with phenotypically confirmed DCM. TTNtv found incidentally in healthy individuals (excluding familial assessment of DCM relatives) are thought to have low penetrance, particularly when identified in exons that are not constitutively expressed in the heart.

Literature cited by the submitters: PubMed 25589632 (cited by 3 submitters); PubMed 18948003 (cited by Labcorp Genetics (formerly Invitae), Labcorp); PubMed 23975875 (cited by Labcorp Genetics (formerly Invitae), Labcorp); PubMed 24395473 (cited by Labcorp Genetics (formerly Invitae), Labcorp).

NM_001267550.2(TTN):c.101098_101099insT (p.Asp33700fs)

Genes: TTN-AS1 (TTN antisense RNA 1; plus strand), TTN (titin; minus strand). Cytogenetic location: 2q31.2.
Variant type: Insertion.
Coding change: c.101098_101099insT on transcript NM_001267550.2 (MANE Select); coding-DNA positions 101098 to 101099, T inserted.
Protein change: p.Asp33700fs; shifts the reading frame from aspartic acid 33700.
Molecular consequence: frameshift variant.
Genome position: GRCh38 VCF-style: chr2-178535516-T-TA. GRCh37 (hg19) VCF-style: chr2-179400243-T-TA.
Other names: c.96175_96176insT, p.Asp32059fs (NM_001256850.1); c.73903_73904insT, p.Asp24635fs (NM_003319.4); c.93394_93395insT, p.Asp31132fs (NM_133378.4); c.74278_74279insT, p.Asp24760fs (NM_133432.3); c.74479_74480insT, p.Asp24827fs (NM_133437.4); c.101098_101099insT (LRG_391t1); short protein forms D24635fs, D24760fs, D31132fs, D32059fs, D24827fs, D33700fs.
Identifiers: ClinVar variation 223390 (VCV000223390.11), dbSNP rs869312122, ClinGen allele CA353372.